The following is an entry in ClinVar:

ClinVar aggregate classification (germline): Uncertain significance (1 of 4 stars; one submission).

Submission:

Women's Health and Genetics/Laboratory Corporation of America, LabCorp
Classification: Uncertain significance. Last evaluated: 2025-05-22. Review status: criteria provided, single submitter. Criteria: LabCorp Variant Classification Summary - May 2015. Collection method: clinical testing. Allele origin: germline.
Comment: Variant summary: USH2A c.2071T>G (p.Cys691Gly) results in a non-conservative amino acid change in the encoded protein sequence. Algorithms developed to predict the effect of missense changes on protein structure and function all suggest that this variant is likely to be disruptive. The variant was absent in 250844 control chromosomes. The available data on variant occurrences in the general population are insufficient to allow any conclusion about variant significance. To our knowledge, no occurrence of c.2071T>G in individuals affected with Usher Syndrome and no experimental evidence demonstrating its impact on protein function have been reported. No submitters have cited clinical-significance assessments for this variant to ClinVar. Based on the evidence outlined above, the variant was classified as uncertain significance.

NM_206933.4(USH2A):c.2071T>G (p.Cys691Gly)

Gene: USH2A (usherin; minus strand). Cytogenetic location: 1q41.
Variant type: single nucleotide variant.
Coding change: c.2071T>G on transcript NM_206933.4 (MANE Select); coding-DNA position 2071, T replaced by G.
Protein change: p.Cys691Gly; replaces cysteine 691 with glycine.
Molecular consequence: missense variant.
Genome position (GRCh38, 1-based): chr1:216,250,999, A>C on the plus strand (T>G on the coding strand, the complement: USH2A is on the minus strand). VCF-style: chr1-216250999-A-C. GRCh37 (hg19) VCF-style: chr1-216424341-A-C.
Other names: c.2071T>G, p.Cys691Gly (NM_007123.6); short protein forms C691G.
Identifiers: ClinVar variation 3902761 (VCV003902761.1).